The following is an entry in ClinVar:

NM_001376.5(DYNC1H1):c.10414G>T (p.Val3472Leu)

Gene: DYNC1H1 (dynein cytoplasmic 1 heavy chain 1; plus strand). Cytogenetic location: 14q32.31.
Variant type: single nucleotide variant.
Coding change: c.10414G>T on transcript NM_001376.5 (MANE Select); coding-DNA position 10414, G replaced by T.
Protein change: p.Val3472Leu; replaces valine 3472 with leucine.
Molecular consequence: missense variant.
Genome position (GRCh38, 1-based): chr14:102,033,976, G>T. VCF-style: chr14-102033976-G-T. GRCh37 (hg19) VCF-style: chr14-102500313-G-T.
Other names: short protein forms V3472L.
Identifiers: ClinVar variation 2695177 (VCV002695177.3), dbSNP rs2503825820, ClinGen allele CA391025341.

ClinVar aggregate classification (germline): Uncertain significance (1 of 4 stars; one submission).

Conditions:
Charcot-Marie-Tooth disease axonal type 2O. Also called: CHARCOT-MARIE-TOOTH NEUROPATHY, AXONAL, TYPE 2O; CHARCOT-MARIE-TOOTH DISEASE, AXONAL, AUTOSOMAL DOMINANT, TYPE 2O; Charcot-Marie-Tooth Neuropathy Type 2O; Charcot-Marie-Tooth disease, axonal, type 20. Identifiers: Orphanet 284232, MedGen C3280220, MONDO:0013644, OMIM 614228.

Submission:

Labcorp Genetics (formerly Invitae), Labcorp
Classification: Uncertain significance for Charcot-Marie-Tooth disease axonal type 2O. Last evaluated: 2023-11-11. Review status: criteria provided, single submitter. Criteria: Invitae Variant Classification Sherloc (09022015). Collection method: clinical testing. Allele origin: germline.
Comment: This sequence change replaces valine, which is neutral and non-polar, with leucine, which is neutral and non-polar, at codon 3472 of the DYNC1H1 protein (p.Val3472Leu). This variant is not present in population databases (gnomAD no frequency). This variant has not been reported in the literature in individuals affected with DYNC1H1-related conditions. An algorithm developed to predict the effect of missense changes on protein structure and function (PolyPhen-2) suggests that this variant is likely to be disruptive. In summary, the available evidence is currently insufficient to determine the role of this variant in disease. Therefore, it has been classified as a Variant of Uncertain Significance.